The following is an entry in ClinVar:

ClinVar aggregate classification (germline): Likely benign. Review status: criteria provided, multiple submitters, no conflicts (2 of 4 stars). 3 submissions from 3 submitters: Likely benign (3). Last evaluated 2024-05-29.

Conditions:
Autosomal dominant cerebellar ataxia. Also called: Spinocerebellar Ataxia, Dominant. Identifiers: Orphanet 99, MedGen C4087347, MONDO:0020380.

Allele frequency attached by ClinVar (database versions not stated): ESP Exome Variant Server 0.00015; TOPMed 0.00016; gnomAD 0.00016 and 0.00012.
gnomAD v4.1: 270 of 1,613,168 alleles (0.017%); highest among the groups gnomAD compares: Non-Finnish European, 0.021%; no homozygotes.

Submissions (3):

Labcorp Genetics (formerly Invitae), Labcorp
Classification: Likely benign. Last evaluated: 2024-05-29. Review status: criteria provided, single submitter. Criteria: Invitae Variant Classification Sherloc (09022015). Collection method: clinical testing. Allele origin: germline.

Athena Diagnostics
Classification: Likely benign. Last evaluated: 2021-05-20. Review status: criteria provided, single submitter. Criteria: Athena Diagnostics criteria. Collection method: clinical testing. Allele origin: unknown.

Illumina Laboratory Services, Illumina
Classification: Likely benign for Spinocerebellar Ataxia, Dominant. Last evaluated: 2018-01-13. Review status: criteria provided, single submitter. Criteria: ICSL Variant Classification Criteria 13 December 2019. Collection method: clinical testing. Allele origin: germline.
Comment: This variant was observed in the ICSL laboratory as part of a predisposition screen in an ostensibly healthy population. It had not been previously curated by ICSL or reported in the Human Gene Mutation Database (HGMD: prior to June 1st, 2018), and was therefore a candidate for classification through an automated scoring system. Utilizing variant allele frequency, disease prevalence and penetrance estimates, and inheritance mode, an automated score was calculated to assess if this variant is too frequent to cause the disease. Based on the score and internal cut-off values, a variant classified as likely benign is not then subjected to further curation. The score for this variant resulted in a classification of likely benign for this disease.

NM_001378452.1(ITPR1):c.1951C>T (p.Leu651=)

Gene: ITPR1 (inositol 1,4,5-trisphosphate receptor type 1; plus strand). Cytogenetic location: 3p26.1.
Variant type: single nucleotide variant.
Coding change: c.1951C>T on transcript NM_001378452.1 (MANE Select); coding-DNA position 1951, C replaced by T.
Protein change: p.Leu651=; no amino-acid change (leucine 651 retained).
Molecular consequence: synonymous variant.
Genome position (GRCh38, 1-based): chr3:4,669,718, C>T. VCF-style: chr3-4669718-C-T. GRCh37 (hg19) VCF-style: chr3-4711402-C-T.
Other names: c.1951C>T, p.Leu651= (NM_001099952.4); c.1906C>T, p.Leu636= (NM_001168272.2, NM_002222.7).
Identifiers: ClinVar variation 733497 (VCV000733497.13), dbSNP rs375234629, ClinGen allele CA2231313.